The following is an entry in ClinVar:

NC_000015.9:g.(91312817_91326051)_(91334075_91337396)dup

Gene: BLM (BLM RecQ like helicase; plus strand). Cytogenetic location: 15q26.1.
Variant type: Duplication.
Identifiers: ClinVar variation 1331369 (VCV001331369.1).

ClinVar aggregate classification (germline): Likely pathogenic (1 of 4 stars; one submission).

Conditions:
Bloom syndrome (BLM). Also called: Bloom-Torre-Machacek syndrome. Identifiers: Orphanet 125, MedGen C0005859, MONDO:0008876, OMIM 210900.

Submission:

Women's Health and Genetics/Laboratory Corporation of America, LabCorp
Classification: Likely pathogenic for Bloom syndrome. Last evaluated: 2021-12-02. Review status: criteria provided, single submitter. Criteria: LabCorp Variant Classification Summary - May 2015. Collection method: clinical testing. Allele origin: germline.
Comment: Variant summary: The variant identified by MLPA or other technology involves the duplication of exons 13-15 in the BLM gene. A presumed nomenclature of c.(2555+1_2556-1)_(3019+1_3020-1)dup has been designated for the purposes of this classification. It has been assumed that this is a tandem duplication in direct orientation (Richardson_GIM_2018, Newman_AJHG_2015). Although exact breakpoints of this duplication are not known, it is expected to result in a large duplication with a frameshift change in the BLM gene. The variant was absent in 21694 control chromosomes (gnomAD structural variants dataset). The available data on variant occurrences in the general population are insufficient to allow any conclusion about variant significance. To our knowledge, no occurrence of c.(2555+1_2556-1)_(3019+1_3020-1)dup in individuals affected with Bloom Syndrome and no experimental evidence demonstrating its impact on protein function have been reported. No clinical diagnostic laboratories have submitted clinical-significance assessments for this variant to ClinVar after 2014. Based on the evidence outlined above, the variant was classified as likely pathogenic.